The following is an entry in ClinVar:

ClinVar aggregate classification (germline): Uncertain significance (1 of 4 stars; one submission).

gnomAD v4.1: 5 of 1,613,008 alleles (0.00031%); highest among the groups gnomAD compares: Middle Eastern, 0.033%; no homozygotes.

Submission:

Labcorp Genetics (formerly Invitae), Labcorp
Classification: Uncertain significance. Last evaluated: 2024-02-27. Review status: criteria provided, single submitter. Criteria: Invitae Variant Classification Sherloc (09022015). Collection method: clinical testing. Allele origin: germline.
Comment: This sequence change replaces arginine, which is basic and polar, with glycine, which is neutral and non-polar, at codon 28 of the TOPORS protein (p.Arg28Gly). This variant is not present in population databases (gnomAD no frequency). This variant has not been reported in the literature in individuals affected with TOPORS-related conditions. An algorithm developed to predict the effect of missense changes on protein structure and function (PolyPhen-2) suggests that this variant is likely to be tolerated. In summary, the available evidence is currently insufficient to determine the role of this variant in disease. Therefore, it has been classified as a Variant of Uncertain Significance.

NM_005802.5(TOPORS):c.82A>G (p.Arg28Gly)

Gene: TOPORS (TOP1 binding arginine/serine rich protein, E3 ubiquitin ligase; minus strand). Cytogenetic location: 9p21.1.
Variant type: single nucleotide variant.
Coding change: c.82A>G on transcript NM_005802.5 (MANE Select); coding-DNA position 82, A replaced by G.
Protein change: p.Arg28Gly; replaces arginine 28 with glycine.
Molecular consequence: missense variant. On other transcripts: intron variant (1).
Genome position (GRCh38, 1-based): chr9:32,550,890, T>C on the plus strand (A>G on the coding strand, the complement: TOPORS is on the minus strand). VCF-style: chr9-32550890-T-C. GRCh37 (hg19) VCF-style: chr9-32550888-T-C.
Other names: c.3+1544A>G (NM_001195622.2); short protein forms R28G.
Identifiers: ClinVar variation 3603874 (VCV003603874.2).